The following is an entry in ClinVar:

ClinVar aggregate classification (germline): Pathogenic. Review status: reviewed by expert panel (3 of 4 stars). 5 submissions from 5 submitters: Pathogenic (1). 4 of the submissions do not count toward it. Last evaluated 2016-09-08.

Conditions:
Hereditary breast ovarian cancer syndrome. Also called: BRCA1- and BRCA2-Associated Hereditary Breast and Ovarian Cancer; Hereditary breast and ovarian cancer syndrome; Hereditary breast and ovarian cancer syndrome (HBOC); Breast and ovarian cancer; Hereditary breast and/or ovarian cancer syndrome; Hereditary breast and ovarian cancer. Identifiers: Orphanet 145, MedGen C0677776, MeSH D061325, MONDO:0003582. Disease mechanism: loss of function.
Breast-ovarian cancer, familial, susceptibility to, 1 (BROVCA1). Also called: BRCA1 Hereditary Breast and Ovarian Cancer; OVARIAN CANCER, SUSCEPTIBILITY TO. Identifiers: Orphanet 145, MedGen C2676676, MONDO:0011450, OMIM 604370. Disease mechanism: loss of function.

Submissions (5):

Evidence-based Network for the Interpretation of Germline Mutant Alleles (ENIGMA)
Classification: Pathogenic for Breast-ovarian cancer, familial, susceptibility to, 1. Last evaluated: 2016-09-08. Review status: reviewed by expert panel. Criteria: ENIGMA BRCA1/2 Classification Criteria (2015). Collection method: curation. Allele origin: germline.
Comment: Variant allele predicted to encode a truncated non-functional protein.

Labcorp Genetics (formerly Invitae), Labcorp
Classification: Pathogenic for Hereditary breast ovarian cancer syndrome. Last evaluated: 2024-08-29. Review status: criteria provided, single submitter. Criteria: Invitae Variant Classification Sherloc (09022015). Collection method: clinical testing. Allele origin: germline. Not counted in ClinVar's aggregate classification.
Comment: This sequence change creates a premature translational stop signal (p.Phe1226Asnfs*8) in the BRCA1 gene. It is expected to result in an absent or disrupted protein product. Loss-of-function variants in BRCA1 are known to be pathogenic (PMID: 20104584). This variant is not present in population databases (gnomAD no frequency). This premature translational stop signal has been observed in individual(s) with breast cancer and/or ovarian cancer (PMID: 16683254). ClinVar contains an entry for this variant (Variation ID: 54961). For these reasons, this variant has been classified as Pathogenic.

Quest Diagnostics Nichols Institute San Juan Capistrano
Classification: Likely pathogenic. Last evaluated: 2023-08-29. Review status: criteria provided, single submitter. Criteria: Quest Diagnostics criteria. Collection method: clinical testing. Allele origin: unknown. Not counted in ClinVar's aggregate classification.
Comment: The BRCA1 c.3676_3679del (p.Phe1226Asnfs*8) variant alters the translational reading frame of the BRCA1 mRNA and is predicted to cause the premature termination of BRCA1 protein synthesis. This variant has been reported in the published literature in individuals with a high risk of breast and/or ovarian cancer (PMID: 16683254 (2006)). This variant has not been reported in large, multi-ethnic general populations (Genome Aggregation Database). Based on the available information, this variant is classified as likely pathogenic.

Sharing Clinical Reports Project (SCRP)
Classification: Pathogenic for Breast-ovarian cancer, familial 1. Last evaluated: 2009-06-16. Review status: no assertion criteria provided. Collection method: clinical testing. Allele origin: germline. Not counted in ClinVar's aggregate classification.

Breast Cancer Information Core (BIC) (BRCA1)
Classification: Pathogenic for Breast-ovarian cancer, familial 1. Review status: no assertion criteria provided. Collection method: clinical testing. Allele origin: germline. Affected: yes. Observed: 1 variant allele. Not counted in ClinVar's aggregate classification.

Literature cited by the submitters: PubMed 20104584 (cited by Labcorp Genetics (formerly Invitae), Labcorp); PubMed 16683254 (cited by Labcorp Genetics (formerly Invitae), Labcorp and Quest Diagnostics Nichols Institute San Juan Capistrano).

NM_007294.4(BRCA1):c.3676_3679del (p.Phe1226fs)

Genes: BRCA1 (BRCA1 DNA repair associated; minus strand), LOC126862571 (BRD4-independent group 4 enhancer GRCh37_chr17:41243136-41244335; plus strand). Cytogenetic location: 17q21.31.
Variant type: Deletion.
Coding change: c.3676_3679del on transcript NM_007294.4 (MANE Select); coding-DNA positions 3676 to 3679, 4 bases deleted (TTCC; older notation c.3676_3679delTTCC).
Protein change: p.Phe1226fs; shifts the reading frame from phenylalanine 1226.
Molecular consequence: frameshift variant. On other transcripts: intron variant (135).
Genome position (GRCh38, 1-based): chr17:43,091,852-43,091,855, GGAA deleted on the plus strand (TTCC on the coding strand, the reverse complement: BRCA1 is on the minus strand); deleting any 4 consecutive bases within chr17:43,091,852-43,091,856 gives the same sequence; the c. name uses the placement nearest the transcript's 3' end. VCF-style (leftmost placement, unchanged base first): chr17-43091851-TGGAA-T. GRCh37 (hg19) VCF-style: chr17-41243868-TGGAA-T.
Other names: 3795del4; c.3676_3679del, p.Phe1226fs (NM_001407602.1, NM_001407603.1, NM_001407605.1 and 30 more transcripts); c.3673_3676del, p.Phe1225fs (NM_001407610.1, NM_001407611.1, NM_001407612.1 and 22 more transcripts); c.3667_3670del, p.Phe1223fs (NM_001407646.1, NM_001407647.1); c.3553_3556del, p.Phe1185fs (NM_001407648.1, NM_001407664.1, NM_001407665.1 and 19 more transcripts); c.3550_3553del, p.Phe1184fs (NM_001407649.1, NM_001407670.1, NM_001407671.1 and 11 more transcripts); c.3598_3601del, p.Phe1200fs (NM_001407653.1, NM_001407654.1, NM_001407655.1 and 4 more transcripts); c.3595_3598del, p.Phe1199fs (NM_001407659.1, NM_001407660.1, NM_001407661.1 and 1 more transcripts); and 45 more; short protein forms F1226fs, F1179fs, F1098fs, F1138fs, F1159fs, F1185fs, F1223fs, F358fs.
Identifiers: ClinVar variation 54961 (VCV000054961.7), dbSNP rs80357671, ClinGen allele CA002353.